The following is an entry in ClinVar:

ClinVar aggregate classification (germline): Conflicting classifications of pathogenicity. Review status: criteria provided, conflicting classifications (1 of 4 stars). 3 submissions from 3 submitters: Uncertain significance (2); Likely benign (1). Last evaluated 2024-09-25.

Conditions:
Cardiovascular phenotype. Identifiers: MedGen CN230736.
Naxos disease (NXD). Also called: WOOLLY HAIR, PALMOPLANTAR KERATODERMA, AND CARDIAC ABNORMALITIES; CARDIOMYOPATHY, ARRHYTHMOGENIC RIGHT VENTRICULAR, WITH SKIN, HAIR, AND NAIL ABNORMALITIES; KERATOSIS PALMOPLANTARIS WITH ARRHYTHMOGENIC CARDIOMYOPATHY; MAL DE NAXOS; PALMOPLANTAR KERATODERMA WITH ARRHYTHMOGENIC RIGHT VENTRICULAR CARDIOMYOPATHY AND WOOLLY HAIR. Identifiers: Orphanet 34217, MedGen C1832600, MONDO:0011017, OMIM 601214.
Arrhythmogenic right ventricular dysplasia 12. Also called: ARRHYTHMOGENIC RIGHT VENTRICULAR DYSPLASIA, FAMILIAL, 12. Identifiers: MedGen C1969081, MONDO:0012684, OMIM 611528.

Allele frequency attached by ClinVar (database versions not stated): TOPMed below 0.00001; gnomAD exomes 0.00004 and 0.00005; ExAC 0.00009.
gnomAD v4.1: 27 of 1,609,850 alleles (0.0017%); highest among the groups gnomAD compares: Non-Finnish European, 0.0016%; no homozygotes.

Submissions (3):

Ambry Genetics
Classification: Likely benign for Cardiovascular phenotype. Last evaluated: 2024-09-25. Review status: criteria provided, single submitter. Criteria: Ambry Variant Classification Scheme 2023. Collection method: clinical testing. Allele origin: germline.

Labcorp Genetics (formerly Invitae), Labcorp
Classification: Uncertain significance for Arrhythmogenic right ventricular dysplasia 12; Naxos disease. Last evaluated: 2021-05-07. Review status: criteria provided, single submitter. Criteria: Invitae Variant Classification Sherloc (09022015). Collection method: clinical testing. Allele origin: germline.
Comment: In summary, the available evidence is currently insufficient to determine the role of this variant in disease. Therefore, it has been classified as a Variant of Uncertain Significance. Algorithms developed to predict the effect of missense changes on protein structure and function are either unavailable or do not agree on the potential impact of this missense change (SIFT: "Tolerated"; PolyPhen-2: "Possibly Damaging"; Align-GVGD: "Class C0"). This variant has not been reported in the literature in individuals with JUP-related conditions. This variant is present in population databases (rs781857012, ExAC 0.02%). This sequence change replaces tyrosine with cysteine at codon 701 of the JUP protein (p.Tyr701Cys). The tyrosine residue is moderately conserved and there is a large physicochemical difference between tyrosine and cysteine.

Blueprint Genetics
Classification: Uncertain significance. Last evaluated: 2021-03-09. Review status: criteria provided, single submitter. Criteria: ACMG Guidelines, 2015. Collection method: clinical testing. Allele origin: germline.

NM_002230.4(JUP):c.2102A>G (p.Tyr701Cys)

Gene: JUP (junction plakoglobin; minus strand). Cytogenetic location: 17q21.2.
Variant type: single nucleotide variant.
Coding change: c.2102A>G on transcript NM_002230.4 (MANE Select); coding-DNA position 2102, A replaced by G.
Protein change: p.Tyr701Cys; replaces tyrosine 701 with cysteine.
Molecular consequence: missense variant.
Genome position (GRCh38, 1-based): chr17:41,755,880, T>C on the plus strand (A>G on the coding strand, the complement: JUP is on the minus strand). VCF-style: chr17-41755880-T-C. GRCh37 (hg19) VCF-style: chr17-39912132-T-C.
Other names: c.2102A>G, p.Tyr701Cys (NM_001352773.2, NM_001352774.2, NM_001352775.2 and 3 more transcripts); c.2102A>G (NM_002230.2); short protein forms Y701C.
Identifiers: ClinVar variation 1407490 (VCV001407490.8), dbSNP rs781857012, ClinGen allele CA8565004.